The following is an entry in ClinVar:

NM_017654.4(SAMD9):c.3396A>T (p.Arg1132Ser)

Gene: SAMD9 (sterile alpha motif domain containing 9; minus strand). Cytogenetic location: 7q21.2.
Variant type: single nucleotide variant.
Coding change: c.3396A>T on transcript NM_017654.4 (MANE Select); coding-DNA position 3396, A replaced by T.
Protein change: p.Arg1132Ser; replaces arginine 1132 with serine.
Molecular consequence: missense variant.
Genome position (GRCh38, 1-based): chr7:93,102,702, T>A on the plus strand (A>T on the coding strand, the complement: SAMD9 is on the minus strand). VCF-style: chr7-93102702-T-A. GRCh37 (hg19) VCF-style: chr7-92732015-T-A.
Other names: c.3396A>T, p.Arg1132Ser (NM_001193307.2); short protein forms R1132S.
Identifiers: ClinVar variation 4159035 (VCV004159035.1).

ClinVar aggregate classification (germline): Uncertain significance (1 of 4 stars; one submission).

Conditions:
Inborn genetic diseases. Identifiers: MedGen C0950123, MeSH D030342.

Submission:

Ambry Genetics
Classification: Uncertain significance for Inborn genetic diseases. Last evaluated: 2025-06-26. Review status: criteria provided, single submitter. Criteria: Ambry Variant Classification Scheme 2023. Collection method: clinical testing. Allele origin: germline.
Comment: The p.R1132S variant (also known as c.3396A>T), located in coding exon 1 of the SAMD9 gene, results from an A to T substitution at nucleotide position 3396. The arginine at codon 1132 is replaced by serine, an amino acid with dissimilar properties. This amino acid position is conserved. In addition, this alteration is predicted to be tolerated by in silico analysis. Based on the available evidence, the clinical significance of this variant remains unclear.